The following is an entry in ClinVar:

ClinVar aggregate classification (germline): Conflicting classifications of pathogenicity. Review status: criteria provided, conflicting classifications (1 of 4 stars). 2 submissions from 2 submitters: Uncertain significance (1); Likely benign (1). Last evaluated 2024-11-01.

Conditions:
Inborn genetic diseases. Identifiers: MedGen C0950123, MeSH D030342.

Allele frequency attached by ClinVar (database versions not stated): gnomAD 0.00001; ExAC 0.00010.
gnomAD v4.1: 42 of 1,603,996 alleles (0.0026%); highest among the groups gnomAD compares: South Asian, 0.046%; 2 homozygotes.

Submissions (2):

CeGaT Center for Human Genetics Tuebingen
Classification: Likely benign. Last evaluated: 2024-11-01. Review status: criteria provided, single submitter. Criteria: CeGaT Center For Human Genetics Tuebingen Variant Classification Criteria Version 2. Collection method: clinical testing. Allele origin: germline. Affected: yes. Observed: 1 variant allele.
Comment: MYO18B: BS2

Ambry Genetics
Classification: Uncertain significance for Inborn genetic diseases. Last evaluated: 2023-08-11. Review status: criteria provided, single submitter. Criteria: Ambry Variant Classification Scheme 2023. Collection method: clinical testing. Allele origin: germline.

NM_032608.7(MYO18B):c.5093T>C (p.Leu1698Pro)

Gene: MYO18B (myosin XVIIIB; plus strand). Cytogenetic location: 22q12.1.
Variant type: single nucleotide variant.
Coding change: c.5093T>C on transcript NM_032608.7 (MANE Select); coding-DNA position 5093, T replaced by C.
Protein change: p.Leu1698Pro; replaces leucine 1698 with proline.
Molecular consequence: missense variant.
Genome position (GRCh38, 1-based): chr22:25,903,776, T>C. VCF-style: chr22-25903776-T-C. GRCh37 (hg19) VCF-style: chr22-26299743-T-C.
Other names: c.5096T>C, p.Leu1699Pro (NM_001318245.2); short protein forms L1698P, L1699P.
Identifiers: ClinVar variation 2614767 (VCV002614767.16), dbSNP rs750573078, ClinGen allele CA10161065.
Genomic context (GRCh38, chr22:25,903,776, plus strand): 5'-TGGGGGAAAATTGCGTTGCTGGCTTGAAGGAGAGGCTCTGGAAGTTGGAATCCAGCGCCC[T>C]TGAGCAACAGAAAATCCAGAGCCAGCAGGAAAACACCATCAAGCAGCTGGAGCAGGTAGG-3'
Protein context (NP_115997.5, residues 1688-1708): ERLWKLESSA[Leu1698Pro]EQQKIQSQQE